The following is an entry in ClinVar:

NM_000742.4(CHRNA2):c.1327del (p.His443fs)

Gene: CHRNA2 (cholinergic receptor nicotinic alpha 2 subunit; minus strand). Cytogenetic location: 8p21.2.
Variant type: Deletion.
Coding change: c.1327del on transcript NM_000742.4 (MANE Select); coding-DNA position 1327, one base deleted (C; older notation c.1327delC).
Protein change: p.His443fs; shifts the reading frame from histidine 443.
Molecular consequence: frameshift variant.
Genome position (GRCh38, 1-based): chr8:27,463,116, G deleted on the plus strand (C on the coding strand, the reverse complement: CHRNA2 is on the minus strand). VCF-style (leftmost placement, unchanged base first): chr8-27463115-TG-T. GRCh37 (hg19) VCF-style: chr8-27320632-TG-T.
Other names: c.1282del, p.His428fs (NM_001282455.2); c.850del, p.His284fs (NM_001347705.2, NM_001347706.2); c.733del, p.His245fs (NM_001347707.2, NM_001347708.2); c.1327del (NM_000742.3); c.1327delC (NM_000742.3); short protein forms H428fs, H443fs, H245fs, H284fs.
Identifiers: ClinVar variation 2263186 (VCV002263186.3), dbSNP rs764302114, ClinGen allele CA4689479.
Genomic context (GRCh38, chr8:27,463,115, plus strand): 5'-GATAGCAGCAGCTCACCCTCCTGCAGCAGAGCCTCAGCCTTGGGACCTGAGGCCCCAGAG[TG>T]CAGGTGGCCGTGGCTGCAGAGGGTGCCCACAGAGGGGGCCACATGACCTGCACATGCCCA-3'

ClinVar aggregate classification (germline): Uncertain significance. Review status: criteria provided, multiple submitters, no conflicts (2 of 4 stars). 2 submissions from 2 submitters: Uncertain significance (2). Last evaluated 2023-12-27.

Conditions:
Inborn genetic diseases. Identifiers: MedGen C0950123, MeSH D030342.

Allele frequency attached by ClinVar (database versions not stated): gnomAD exomes below 0.00001; gnomAD 0.00001; ExAC 0.00002.

Submissions (2):

GeneDx
Classification: Uncertain significance. Last evaluated: 2023-12-27. Review status: criteria provided, single submitter. Criteria: GeneDx Variant Classification Process June 2021. Collection method: clinical testing. Allele origin: germline. Affected: yes.
Comment: Not observed at significant frequency in large population cohorts (gnomAD); Has not been previously published as pathogenic or benign to our knowledge; Frameshift variant predicted to result in abnormal protein length as the last 87 amino acids are replaced with 46 different amino acids in a gene for which loss-of-function is not an established mechanism of disease

Ambry Genetics
Classification: Uncertain significance for Inborn genetic diseases. Last evaluated: 2021-12-23. Review status: criteria provided, single submitter. Criteria: Ambry Variant Classification Scheme 2023. Collection method: clinical testing. Allele origin: germline.
Comment: Loss of function has not been clearly established as a mechanism of disease and not expected to trigger nonsense-mediated mRNA decay Based on insufficient or conflicting evidence, the clinical significance of this alteration remains unclear.